The following is an entry in ClinVar:

ClinVar aggregate classification (germline): Benign/Likely benign. Review status: criteria provided, multiple submitters, no conflicts (2 of 4 stars). 10 submissions from 10 submitters: Benign (6); Likely benign (1). 3 of the submissions do not count toward it. Last evaluated 2026-02-03.

Conditions:
Long QT syndrome (LQTS). Identifiers: MedGen C0023976, MeSH D008133, MONDO:0002442. Disease mechanism: loss of function. Inheritance: Various modes of inheritance.

Allele frequency attached by ClinVar (database versions not stated): 1000 Genomes Project 30x 0.00547.
gnomAD v4.1: 10,759 of 1,338,132 alleles (0.8%); highest among the groups gnomAD compares: African/African-American, 1.7%; 30 homozygotes.

Submissions (10):

Labcorp Genetics (formerly Invitae), Labcorp
Classification: Benign for Long QT syndrome. Last evaluated: 2026-02-03. Review status: criteria provided, single submitter. Criteria: Invitae Variant Classification Sherloc (09022015). Collection method: clinical testing. Allele origin: germline.

ARUP Laboratories, Molecular Genetics and Genomics, ARUP Laboratories
Classification: Benign. Last evaluated: 2025-04-14. Review status: criteria provided, single submitter. Criteria: ARUP Molecular Germline Variant Investigation Process 2024. Collection method: clinical testing. Allele origin: germline.

Blueprint Genetics
Classification: Likely benign. Last evaluated: 2024-11-26. Review status: criteria provided, single submitter. Criteria: ACMG Guidelines, 2015. Collection method: clinical testing. Allele origin: germline.

Women's Health and Genetics/Laboratory Corporation of America, LabCorp
Classification: Benign. Last evaluated: 2018-01-12. Review status: criteria provided, single submitter. Criteria: LabCorp Variant Classification Summary - May 2015. Collection method: clinical testing. Allele origin: germline.
Comment: Variant summary: The CACNA1C c.5680+11C>T variant involves the alteration of a non-conserved intronic nucleotide and 5/5 splice prediction tools predict no significant impact on normal splicing. However, these predictions have yet to be confirmed by functional studies. This variant was found in 134/30490 control chromosomes (gnomAD), predominantly observed in the African subpopulation at a frequency of 0.007961 (68/8542). This frequency is about 796 times the estimated maximal expected allele frequency of a pathogenic CACNA1C variant (0.00001), suggesting this is likely a benign polymorphism found primarily in the populations of African origin. In addition, multiple clinical diagnostic laboratories classified this variant as "likely benign/benign." The variant of interest has not, to our knowledge, been reported in affected individuals via publications. Taken together, this variant is classified as benign.

GeneDx
Classification: Benign. Last evaluated: 2015-03-03. Review status: criteria provided, single submitter. Criteria: GeneDx Variant Classification Process June 2021. Collection method: clinical testing. Allele origin: germline. Affected: yes.

Eurofins Ntd Llc (ga)
Classification: Benign. Last evaluated: 2013-02-14. Review status: criteria provided, single submitter. Criteria: EGL Classification Definitions 2015. Collection method: clinical testing. Allele origin: germline. Observed: 1 variant allele, 1 heterozygote.

Breakthrough Genomics
Classification: Benign. Review status: criteria provided, single submitter. Criteria: ACMG Guidelines, 2015. Collection method: not provided. Allele origin: germline. Inheritance: Autosomal dominant inheritance. Affected: yes.

Clinical Genetics, Academic Medical Center
Classification: Benign. Review status: no assertion criteria provided. Collection method: clinical testing. Allele origin: germline. Affected: yes. Study: VKGL Data-share Consensus. Not counted in ClinVar's aggregate classification.

Genome Diagnostics Laboratory, University Medical Center Utrecht
Classification: Benign. Review status: no assertion criteria provided. Collection method: clinical testing. Allele origin: germline. Affected: yes. Study: VKGL Data-share Consensus. Not counted in ClinVar's aggregate classification.

Joint Genome Diagnostic Labs from Nijmegen and Maastricht, Radboudumc and MUMC+
Classification: Benign. Review status: no assertion criteria provided. Collection method: clinical testing. Allele origin: germline. Affected: yes. Study: VKGL Data-share Consensus. Not counted in ClinVar's aggregate classification.

NM_000719.7(CACNA1C):c.5680+11C>T

Genes: CACNA1C (calcium voltage-gated channel subunit alpha1 C; plus strand), CACNA1C-AS1 (CACNA1C antisense RNA 1; minus strand). Cytogenetic location: 12p13.33.
Variant type: single nucleotide variant.
Coding change: c.5680+11C>T on transcript NM_000719.7 (MANE Select); 11 bases into the intron after coding-DNA position 5680, C replaced by T.
Molecular consequence: intron variant.
Genome position (GRCh38, 1-based): chr12:2,685,853, C>T. VCF-style: chr12-2685853-C-T. GRCh37 (hg19) VCF-style: chr12-2795019-C-T.
Other names: c.5785+11C>T (NM_001167624.3, NM_001129830.3); c.5680+11C>T (NM_001167623.2, NM_001129840.2, NM_001129842.2 and 2 more transcripts); c.5860+11C>T (NM_001167625.2); c.5929+11C>T (NM_199460.4); c.5824+11C>T (NM_001129827.2); c.5740+11C>T (NM_001129832.2); c.5764+11C>T (NM_001129831.2); c.5737+11C>T (NM_001129833.2, NM_001129834.2, NM_001129835.2); and 6 more.
Identifiers: ClinVar variation 93418 (VCV000093418.36), dbSNP rs66611965, ClinGen allele CA146949.